The following is an entry in ClinVar:

NM_005419.4(STAT2):c.2377T>G (p.Cys793Gly)

Gene: STAT2 (signal transducer and activator of transcription 2; minus strand). Cytogenetic location: 12q13.3.
Variant type: single nucleotide variant.
Coding change: c.2377T>G on transcript NM_005419.4 (MANE Select); coding-DNA position 2377, T replaced by G.
Protein change: p.Cys793Gly; replaces cysteine 793 with glycine.
Molecular consequence: missense variant.
Genome position (GRCh38, 1-based): chr12:56,343,861, A>C on the plus strand (T>G on the coding strand, the complement: STAT2 is on the minus strand). VCF-style: chr12-56343861-A-C. GRCh37 (hg19) VCF-style: chr12-56737645-A-C.
Other names: c.2344T>G, p.Cys782Gly (NM_001385110.1); c.2278T>G, p.Cys760Gly (NM_001385111.1); c.2377T>G, p.Cys793Gly (NM_001385113.1); c.2356T>G, p.Cys786Gly (NM_001385114.1); c.2335T>G, p.Cys779Gly (NM_001385115.1); c.2365T>G, p.Cys789Gly (NM_198332.2); short protein forms C779G, C760G, C782G, C789G, C786G, C793G.
Identifiers: ClinVar variation 1363027 (VCV001363027.6), dbSNP rs2136033300, ClinGen allele CA385258762.

ClinVar aggregate classification (germline): Uncertain significance (1 of 4 stars; one submission).

Conditions:
Primary immunodeficiency with post-measles-mumps-rubella vaccine viral infection. Also called: Immunodeficiency 44. Identifiers: Orphanet 431166, MedGen C4225260, MONDO:0014715, OMIM 616636.

Submission:

Labcorp Genetics (formerly Invitae), Labcorp
Classification: Uncertain significance for Primary immunodeficiency with post-measles-mumps-rubella vaccine viral infection. Last evaluated: 2022-10-18. Review status: criteria provided, single submitter. Criteria: Invitae Variant Classification Sherloc (09022015). Collection method: clinical testing. Allele origin: germline.
Comment: In summary, the available evidence is currently insufficient to determine the role of this variant in disease. Therefore, it has been classified as a Variant of Uncertain Significance. Advanced modeling of protein sequence and biophysical properties (such as structural, functional, and spatial information, amino acid conservation, physicochemical variation, residue mobility, and thermodynamic stability) performed at Invitae indicates that this missense variant is not expected to disrupt STAT2 protein function. ClinVar contains an entry for this variant (Variation ID: 1363027). This variant has not been reported in the literature in individuals affected with STAT2-related conditions. This variant is not present in population databases (gnomAD no frequency). This sequence change replaces cysteine, which is neutral and slightly polar, with glycine, which is neutral and non-polar, at codon 793 of the STAT2 protein (p.Cys793Gly).